The following is an entry in ClinVar:

ClinVar aggregate classification (germline): Uncertain significance (1 of 4 stars; one submission).

Allele frequency attached by ClinVar (database versions not stated): gnomAD 0.00001; TOPMed 0.00004.
gnomAD v4.1: 1 of 1,610,530 alleles (0.000062%); highest among the groups gnomAD compares: African/African-American, 0.0013%; no homozygotes.

Submission:

Labcorp Genetics (formerly Invitae), Labcorp
Classification: Uncertain significance. Last evaluated: 2022-08-31. Review status: criteria provided, single submitter. Criteria: Invitae Variant Classification Sherloc (09022015). Collection method: clinical testing. Allele origin: germline.
Comment: This sequence change replaces isoleucine, which is neutral and non-polar, with serine, which is neutral and polar, at codon 159 of the P3H2 protein (p.Ile159Ser). This variant is not present in population databases (gnomAD no frequency). This variant has not been reported in the literature in individuals affected with P3H2-related conditions. ClinVar contains an entry for this variant (Variation ID: 854974). Algorithms developed to predict the effect of missense changes on protein structure and function output the following: SIFT: "Tolerated"; PolyPhen-2: "Benign"; Align-GVGD: "Class C0". The serine amino acid residue is found in multiple mammalian species, which suggests that this missense change does not adversely affect protein function. In summary, the available evidence is currently insufficient to determine the role of this variant in disease. Therefore, it has been classified as a Variant of Uncertain Significance.

NM_018192.4(P3H2):c.476T>G (p.Ile159Ser)

Gene: P3H2 (prolyl 3-hydroxylase 2; minus strand). Cytogenetic location: 3q28.
Variant type: single nucleotide variant.
Coding change: c.476T>G on transcript NM_018192.4 (MANE Select); coding-DNA position 476, T replaced by G.
Protein change: p.Ile159Ser; replaces isoleucine 159 with serine.
Molecular consequence: missense variant. On other transcripts: intron variant (1).
Genome position (GRCh38, 1-based): chr3:190,120,256, A>C on the plus strand (T>G on the coding strand, the complement: P3H2 is on the minus strand). VCF-style: chr3-190120256-A-C. GRCh37 (hg19) VCF-style: chr3-189838045-A-C.
Other names: c.-64+1947T>G (NM_001134418.2); short protein forms I159S.
Identifiers: ClinVar variation 854974 (VCV000854974.4), dbSNP rs1053716947, ClinGen allele CA90197201.